The following is an entry in ClinVar:

ClinVar aggregate classification (germline): Conflicting classifications of pathogenicity. Review status: criteria provided, conflicting classifications (1 of 4 stars). 5 submissions from 5 submitters: Pathogenic (1); Likely pathogenic (2); Uncertain significance (1). 1 of the submissions does not count toward it. Last evaluated 2025-11-10.

Conditions:
Hereditary spastic paraplegia 43. Also called: Spastic paraplegia 43, autosomal recessive. Identifiers: Orphanet 320370, MedGen C2680446, MONDO:0014024, OMIM 615043.
Neurodegeneration with brain iron accumulation 4 (NBIA4). Also called: MITOCHONDRIAL PROTEIN-ASSOCIATED NEURODEGENERATION. Identifiers: Orphanet 289560, MedGen C3280371, MONDO:0013674, OMIM 614298. Disease mechanism: loss of function.

Allele frequency attached by ClinVar (database versions not stated): gnomAD exomes 0.00001 and below 0.00001.

Submissions (5):

Labcorp Genetics (formerly Invitae), Labcorp
Classification: Uncertain significance for Hereditary spastic paraplegia 43. Last evaluated: 2025-11-10. Review status: criteria provided, single submitter. Criteria: Invitae Variant Classification Sherloc (09022015). Collection method: clinical testing. Allele origin: germline.
Comment: This sequence change falls in intron 2 of the C19orf12 gene. It does not directly change the encoded amino acid sequence of the C19orf12 protein. It affects a nucleotide within the consensus splice site. This variant is present in population databases (no rsID available, gnomAD 0.003%). This variant has been observed in individual(s) with clinical features of autosomal recessive neurodegeneration with brain iron accumulation (PMID: 29915382). ClinVar contains an entry for this variant (Variation ID: 434550). Variants that disrupt the consensus splice site are a relatively common cause of aberrant splicing (PMID: 17576681, 9536098). Algorithms developed to predict the effect of sequence changes on RNA splicing suggest that this variant may disrupt the consensus splice site. In summary, the available evidence is currently insufficient to determine the role of this variant in disease. Therefore, it has been classified as a Variant of Uncertain Significance.

Dasa
Classification: Likely pathogenic. Last evaluated: 2025-01-18. Review status: criteria provided, single submitter. Criteria: DASA Assertion Criteria. Collection method: clinical testing. Allele origin: germline.
Comment: NM_031448.6(C19orf12):c.161-2del affects a canonical splice site and is predicted to disrupt normal RNA splicing. Loss of function is an established disease mechanism for C19orf12-associated disorders. This variant has been recurrently observed in individuals with C19orf12-related disorders (PMID: 23269600; PMID: 29915382). Also, this variant is rare in population databases. Based on the currently available evidence, this variant is classified as likely pathogenic.

3billion
Classification: Likely pathogenic for Neurodegeneration with brain iron accumulation 4. Last evaluated: 2022-09-01. Review status: criteria provided, single submitter. Criteria: ACMG Guidelines, 2015. Collection method: clinical testing. Allele origin: germline. Affected: yes. Observed: 1 homozygote.
Comment: The variant is observed at an extremely low frequency in the gnomAD v2.1.1 dataset (total allele frequency: <0.001%). Canonical splice site is predicted to alter splicing and result in a loss or disruption of normal protein function. The predicted truncated protein may be shortened by more than 10%. Multiple pathogenic variants are reported downstream of the variant. The variant has been reported to be associated with C19orf12-related disorder (ClinVar ID: VCV000434550 / PMID: 29915382). Therefore, this variant is classified as Likely pathogenic according to the recommendation of ACMG/AMP guideline.

Genetic Services Laboratory, University of Chicago
Classification: Pathogenic for Neurodegeneration with brain iron accumulation 4. Last evaluated: 2016-08-26. Review status: criteria provided, single submitter. Criteria: ACMG Guidelines, 2015. Collection method: clinical testing. Allele origin: germline. Affected: yes.

Institute of Bioinformatics
Classification: Pathogenic for Neurodegeneration with brain iron accumulation 4. Last evaluated: 2024-09-01. Review status: no assertion criteria provided. Collection method: clinical testing. Allele origin: biparental. Inheritance: Autosomal recessive inheritance. Affected: yes. Observed: 1 homozygote. Not counted in ClinVar's aggregate classification.
Comment: The variant NM_001031726:c.194-2delA variant is a splice-site variant (PVS1). Transcript analysis from our study confirms that this variant leads to the loss of 24 nucleotides from exon 3, resulting in the predicted loss of in-frame amino acids (PS3, PM4). Since this is a novel variant and has a low allele frequency in gnomAD, it meets the criteria for PM2.

Literature cited by the submitters: PubMed 29915382 (cited by 3 submitters); PubMed 17576681 (cited by Labcorp Genetics (formerly Invitae), Labcorp); PubMed 9536098 (cited by Labcorp Genetics (formerly Invitae), Labcorp); PubMed 23269600 (cited by Dasa).

NM_031448.6(C19orf12):c.161-2del

Gene: C19orf12 (chromosome 19 open reading frame 12; minus strand). Cytogenetic location: 19q12.
Variant type: Deletion.
Coding change: c.161-2del on transcript NM_031448.6 (MANE Select); the canonical splice acceptor site of the intron before coding-DNA position 161, one base deleted (A; older notation c.161-2delA).
Molecular consequence: splice acceptor variant.
Genome position (GRCh38, 1-based): chr19:29,702,979, T deleted on the plus strand (A on the coding strand, the reverse complement: C19orf12 is on the minus strand). VCF-style (leftmost placement, unchanged base first): chr19-29702978-CT-C. GRCh37 (hg19) VCF-style: chr19-30193885-CT-C.
Other names: NP_001026896.2:p.G66_G73del; c.-32-2del (NM_001282929.1, NM_001282930.3, NM_001282931.3); c.161-2del (NM_001256047.2, NM_001256046.3, NM_001031726.4); c.194-2delA (NM_001031726.3).
Identifiers: ClinVar variation 434550 (VCV000434550.14), dbSNP rs1352744778, ClinGen allele CA632143698.